The following is an entry in ClinVar:

NM_001394998.1(TANC2):c.108T>A (p.Ser36Arg)

Gene: TANC2 (tetratricopeptide repeat, ankyrin repeat and coiled-coil containing 2; plus strand). Cytogenetic location: 17q23.2.
Variant type: single nucleotide variant.
Coding change: c.108T>A on transcript NM_001394998.1 (MANE Select); coding-DNA position 108, T replaced by A.
Protein change: p.Ser36Arg; replaces serine 36 with arginine.
Molecular consequence: missense variant.
Genome position (GRCh38, 1-based): chr17:63,073,983, T>A. VCF-style: chr17-63073983-T-A. GRCh37 (hg19) VCF-style: chr17-61151344-T-A.
Other names: c.108T>A, p.Ser36Arg (NM_001411076.1, NM_025185.4); short protein forms S36R.
Identifiers: ClinVar variation 3804117 (VCV003804117.3).

ClinVar aggregate classification (germline): Uncertain significance. Review status: criteria provided, multiple submitters, no conflicts (2 of 4 stars). 2 submissions from 2 submitters: Uncertain significance (2). Last evaluated 2025-01-20.

Conditions:
Intellectual developmental disorder with autistic features and language delay, with or without seizures. Identifiers: MedGen C5394447, MONDO:0030051, OMIM 618906.
Inborn genetic diseases. Identifiers: MedGen C0950123, MeSH D030342.

gnomAD v4.1: 1 of 1,590,164 alleles (0.000063%); highest among the groups gnomAD compares: Non-Finnish European, 0.000086%; no homozygotes.

Submissions (2):

Ambry Genetics
Classification: Uncertain significance for Inborn genetic diseases. Last evaluated: 2025-01-20. Review status: criteria provided, single submitter. Criteria: Ambry Variant Classification Scheme 2023. Collection method: clinical testing. Allele origin: germline.

Dasa
Classification: Uncertain significance for intellectual developmental disorder with autistic features and language delay, with or without seizures. Last evaluated: 2024-10-10. Review status: criteria provided, single submitter. Criteria: DASA Assertion Criteria. Collection method: clinical testing. Allele origin: germline.
Comment: NM_001394998.1(TANC2):c.108T>A (p.Ser36Arg) is a missense variant that results in the substitution of serine with arginine. This variant is rare in population databases. Computational prediction algorithms are consistent with a benign effect. The currently available literature and clinical evidence are not sufficient to establish a definitive association between this variant and the reported condition. Therefore, this variant is classified as a variant of uncertain significance.